The following is an entry in ClinVar:

ClinVar aggregate classification (germline): Uncertain significance. Review status: criteria provided, multiple submitters, no conflicts (2 of 4 stars). 2 submissions from 2 submitters: Uncertain significance (2). Last evaluated 2024-08-28.

Conditions:
Inborn genetic diseases. Identifiers: MedGen C0950123, MeSH D030342.

Allele frequency attached by ClinVar (database versions not stated): gnomAD exomes below 0.00001 and 0.00001; ExAC 0.00001.

Submissions (2):

Ambry Genetics
Classification: Uncertain significance for Inborn genetic diseases. Last evaluated: 2024-08-28. Review status: criteria provided, single submitter. Criteria: Ambry Variant Classification Scheme 2023. Collection method: clinical testing. Allele origin: germline.

Labcorp Genetics (formerly Invitae), Labcorp
Classification: Uncertain significance. Last evaluated: 2021-07-15. Review status: criteria provided, single submitter. Criteria: Invitae Variant Classification Sherloc (09022015). Collection method: clinical testing. Allele origin: germline.
Comment: In summary, the available evidence is currently insufficient to determine the role of this variant in disease. Therefore, it has been classified as a Variant of Uncertain Significance. This sequence change replaces arginine with lysine at codon 77 of the CNNM4 protein (p.Arg77Lys). The arginine residue is weakly conserved and there is a small physicochemical difference between arginine and lysine. Algorithms developed to predict the effect of missense changes on protein structure and function are either unavailable or do not agree on the potential impact of this missense change (SIFT: "Tolerated"; PolyPhen-2: "Possibly Damaging"; Align-GVGD: "Class C0"). This variant has not been reported in the literature in individuals affected with CNNM4-related conditions. This variant is present in population databases (rs745308041, ExAC 0.002%).

NM_020184.4(CNNM4):c.230G>A (p.Arg77Lys)

Gene: CNNM4 (cyclin and CBS domain divalent metal cation transport mediator 4; plus strand). Cytogenetic location: 2q11.2.
Variant type: single nucleotide variant.
Coding change: c.230G>A on transcript NM_020184.4 (MANE Select); coding-DNA position 230, G replaced by A.
Protein change: p.Arg77Lys; replaces arginine 77 with lysine.
Molecular consequence: missense variant.
Genome position (GRCh38, 1-based): chr2:96,761,229, G>A. VCF-style: chr2-96761229-G-A. GRCh37 (hg19) VCF-style: chr2-97426966-G-A.
Other names: c.230G>A (NM_020184.3); short protein forms R77K.
Identifiers: ClinVar variation 1470779 (VCV001470779.9), dbSNP rs745308041, ClinGen allele CA1783175.